The following is an entry in ClinVar:

ClinVar aggregate classification (germline): Conflicting classifications of pathogenicity. Review status: criteria provided, conflicting classifications (1 of 4 stars). 4 submissions from 4 submitters: Uncertain significance (3); Likely benign (1). Last evaluated 2025-10-27.

Conditions:
Hereditary breast ovarian cancer syndrome. Also called: Hereditary breast and ovarian cancer syndrome (HBOC); Hereditary breast and ovarian cancer syndrome; Breast and ovarian cancer; BRCA1- and BRCA2-Associated Hereditary Breast and Ovarian Cancer; Hereditary breast and ovarian cancer; Hereditary breast and/or ovarian cancer syndrome. Identifiers: Orphanet 145, MedGen C0677776, MeSH D061325, MONDO:0003582. Disease mechanism: loss of function.
Hereditary cancer-predisposing syndrome. Also called: Neoplastic Syndromes, Hereditary; Hereditary Cancer Syndrome; Hereditary neoplastic syndrome; Tumor predisposition. Identifiers: Orphanet 140162, MedGen C0027672, MeSH D009386, MONDO:0015356.

Allele frequency attached by ClinVar (database versions not stated): gnomAD exomes 0.00001; ExAC 0.00002.
gnomAD v4.1: 1 of 1,613,390 alleles (0.000062%); highest among the groups gnomAD compares: Non-Finnish European, 0.000085%; no homozygotes.

Submissions (4):

Labcorp Genetics (formerly Invitae), Labcorp
Classification: Uncertain significance for Hereditary breast ovarian cancer syndrome. Last evaluated: 2025-10-27. Review status: criteria provided, single submitter. Criteria: Invitae Variant Classification Sherloc (09022015). Collection method: clinical testing. Allele origin: germline.
Comment: This sequence change replaces serine, which is neutral and polar, with glycine, which is neutral and non-polar, at codon 1834 of the BRCA2 protein (p.Ser1834Gly). This variant is present in population databases (rs760602053, gnomAD 0.002%). This variant has not been reported in the literature in individuals affected with BRCA2-related conditions. ClinVar contains an entry for this variant (Variation ID: 479292). Invitae Evidence Modeling of protein sequence and biophysical properties (such as structural, functional, and spatial information, amino acid conservation, physicochemical variation, residue mobility, and thermodynamic stability) indicates that this missense variant is not expected to disrupt BRCA2 protein function with a negative predictive value of 95%. In summary, the available evidence is currently insufficient to determine the role of this variant in disease. Therefore, it has been classified as a Variant of Uncertain Significance.

University of Washington Department of Laboratory Medicine, University of Washington
Classification: Likely benign for Hereditary cancer-predisposing syndrome. Last evaluated: 2023-03-23. Review status: criteria provided, single submitter. Criteria: Dines et al. (Genet Med. 2020). Collection method: curation. Allele origin: germline.
Comment: Missense variant in a coldspot region where missense variants are very unlikely to be pathogenic (PMID:31911673).

BRCA2 exon 11 coldspot. Reclassification based on statistical prior probability.

Ambry Genetics
Classification: Uncertain significance for Hereditary cancer-predisposing syndrome. Last evaluated: 2022-12-12. Review status: criteria provided, single submitter. Criteria: Ambry Variant Classification Scheme 2023. Collection method: clinical testing. Allele origin: germline.
Comment: The p.S1834G variant (also known as c.5500A>G), located in coding exon 10 of the BRCA2 gene, results from an A to G substitution at nucleotide position 5500. The serine at codon 1834 is replaced by glycine, an amino acid with similar properties. This amino acid position is not well conserved in available vertebrate species. In addition, this alteration is predicted to be tolerated by in silico analysis. Since supporting evidence is limited at this time, the clinical significance of this alteration remains unclear.

Color Diagnostics, LLC DBA Color Health
Classification: Uncertain significance for Hereditary cancer-predisposing syndrome. Last evaluated: 2022-11-22. Review status: criteria provided, single submitter. Criteria: ACMG Guidelines, 2015. Collection method: clinical testing. Allele origin: germline.
Comment: This missense variant replaces serine with glycine at codon 1834 of the BRCA2 protein. Computational prediction suggests that this variant may not impact protein structure and function (internally defined REVEL score threshold <= 0.5, PMID: 27666373). To our knowledge, functional studies have not been reported for this variant. This variant has not been reported in individuals affected with BRCA2-related disorders in the literature. This variant has been identified in 2/250364 chromosomes in the general population by the Genome Aggregation Database (gnomAD). The available evidence is insufficient to determine the role of this variant in disease conclusively. Therefore, this variant is classified as a Variant of Uncertain Significance.

NM_000059.4(BRCA2):c.5500A>G (p.Ser1834Gly)

Gene: BRCA2 (BRCA2 DNA repair associated; plus strand). Cytogenetic location: 13q13.1.
Variant type: single nucleotide variant.
Coding change: c.5500A>G on transcript NM_000059.4 (MANE Select); coding-DNA position 5500, A replaced by G.
Protein change: p.Ser1834Gly; replaces serine 1834 with glycine.
Molecular consequence: missense variant.
Genome position (GRCh38, 1-based): chr13:32,339,855, A>G. VCF-style: chr13-32339855-A-G. GRCh37 (hg19) VCF-style: chr13-32913992-A-G.
Other names: short protein forms S1834G.
Identifiers: ClinVar variation 479292 (VCV000479292.17), dbSNP rs760602053, ClinGen allele CA6940880.